The following is an entry in ClinVar:

NM_000550.3(TYRP1):c.1292del (p.Pro431fs)

Genes: LURAP1L-AS1 (LURAP1L antisense RNA 1; minus strand), TYRP1 (tyrosinase related protein 1; plus strand). Cytogenetic location: 9p23.
Variant type: Deletion.
Coding change: c.1292del on transcript NM_000550.3 (MANE Select); coding-DNA position 1292, one base deleted (C; older notation c.1292delC).
Protein change: p.Pro431fs; shifts the reading frame from proline 431.
Molecular consequence: frameshift variant.
Genome position (GRCh38, 1-based): chr9:12,708,027, C deleted; the last of 4 consecutive C bases (chr9:12,708,024-12,708,027); deleting any one gives the same sequence. VCF-style (leftmost placement, unchanged base first): chr9-12708023-GC-G. GRCh37 (hg19) VCF-style: chr9-12708023-GC-G.
Other names: short protein forms P431fs.
Identifiers: ClinVar variation 3654469 (VCV003654469.2).

ClinVar aggregate classification (germline): Pathogenic (1 of 4 stars; one submission).

Submission:

Labcorp Genetics (formerly Invitae), Labcorp
Classification: Pathogenic. Last evaluated: 2024-05-23. Review status: criteria provided, single submitter. Criteria: Invitae Variant Classification Sherloc (09022015). Collection method: clinical testing. Allele origin: germline.
Comment: This sequence change creates a premature translational stop signal (p.Pro431Leufs*48) in the TYRP1 gene. While this is not anticipated to result in nonsense mediated decay, it is expected to disrupt the last 107 amino acid(s) of the TYRP1 protein. This variant is not present in population databases (gnomAD no frequency). This variant has not been reported in the literature in individuals affected with TYRP1-related conditions. This variant disrupts a region of the TYRP1 protein in which other variant(s) (p.Gly433Glu) have been determined to be pathogenic (Invitae). This suggests that this is a clinically significant region of the protein, and that variants that disrupt it are likely to be disease-causing. For these reasons, this variant has been classified as Pathogenic.